The following is an entry in ClinVar:

ClinVar aggregate classification (germline): Uncertain significance (1 of 4 stars; one submission).

Conditions:
Hereditary sensory neuropathy-deafness-dementia syndrome. Also called: HSN IE; Hereditary sensory neuropathy type IE; Hereditary Sensory and Autonomic Neuropathy Type 1E (HSAN1E); NEUROPATHY, HEREDITARY SENSORY, WITH HEARING LOSS AND DEMENTIA. Identifiers: Orphanet 456318, MedGen C3279885, MONDO:0013584, OMIM 614116.

Submission:

Labcorp Genetics (formerly Invitae), Labcorp
Classification: Uncertain significance for Hereditary sensory neuropathy-deafness-dementia syndrome. Last evaluated: 2024-12-06. Review status: criteria provided, single submitter. Criteria: Invitae Variant Classification Sherloc (09022015). Collection method: clinical testing. Allele origin: germline.
Comment: This variant, c.940_942del, results in the deletion of 1 amino acid(s) of the DNMT1 protein (p.Arg314del), but otherwise preserves the integrity of the reading frame. This variant is not present in population databases (gnomAD no frequency). This variant has not been reported in the literature in individuals affected with DNMT1-related conditions. Experimental studies and prediction algorithms are not available or were not evaluated, and the functional significance of this variant is currently unknown. In summary, the available evidence is currently insufficient to determine the role of this variant in disease. Therefore, it has been classified as a Variant of Uncertain Significance.

NM_001130823.3(DNMT1):c.940_942del (p.Arg314del)

Gene: DNMT1 (DNA methyltransferase 1; minus strand). Cytogenetic location: 19p13.2.
Variant type: Deletion.
Coding change: c.940_942del on transcript NM_001130823.3 (MANE Select); coding-DNA positions 940 to 942, 3 bases deleted (AGG; older notation c.940_942delAGG).
Protein change: p.Arg314del; deletes arginine 314.
Molecular consequence: inframe deletion.
Genome position (GRCh38, 1-based): chr19:10,162,733-10,162,735, CCT deleted on the plus strand (AGG on the coding strand, the reverse complement: DNMT1 is on the minus strand); deleting any 3 consecutive bases within chr19:10,162,733-10,162,737 gives the same sequence; the c. name uses the placement nearest the transcript's 3' end. VCF-style (leftmost placement, unchanged base first): chr19-10162732-GCCT-G. GRCh37 (hg19) VCF-style: chr19-10273408-GCCT-G.
Other names: c.892_894del, p.Arg298del (NM_001318730.2, NM_001379.4); c.577_579del, p.Arg193del (NM_001318731.2); short protein forms R193del, R298del, R314del.
Identifiers: ClinVar variation 3607273 (VCV003607273.2).